The following is an entry in ClinVar:

ClinVar aggregate classification (germline): Uncertain significance (1 of 4 stars; one submission).

Conditions:
RASopathy. Also called: Noonan spectrum disorder; rasopathies. Identifiers: Orphanet 536391, MedGen C5555857, MONDO:0021060.

Allele frequency attached by ClinVar (database versions not stated): gnomAD exomes below 0.00001.
gnomAD v4.1: 1 of 1,581,572 alleles (0.000063%); highest among the groups gnomAD compares: Non-Finnish European, 0.000087%; no homozygotes.

Submission:

Labcorp Genetics (formerly Invitae), Labcorp
Classification: Uncertain significance for RASopathy. Last evaluated: 2023-05-15. Review status: criteria provided, single submitter. Criteria: Invitae Variant Classification Sherloc (09022015). Collection method: clinical testing. Allele origin: germline.
Comment: This sequence change replaces arginine, which is basic and polar, with cysteine, which is neutral and slightly polar, at codon 896 of the SOS1 protein (p.Arg896Cys). In summary, the available evidence is currently insufficient to determine the role of this variant in disease. Therefore, it has been classified as a Variant of Uncertain Significance. Advanced modeling of protein sequence and biophysical properties (such as structural, functional, and spatial information, amino acid conservation, physicochemical variation, residue mobility, and thermodynamic stability) performed at Invitae indicates that this missense variant is expected to disrupt SOS1 protein function. ClinVar contains an entry for this variant (Variation ID: 1411288). This variant has not been reported in the literature in individuals affected with SOS1-related conditions. This variant is not present in population databases (gnomAD no frequency).

NM_005633.4(SOS1):c.2686C>T (p.Arg896Cys)

Gene: SOS1 (SOS Ras/Rac guanine nucleotide exchange factor 1; minus strand). Cytogenetic location: 2p22.1.
Variant type: single nucleotide variant.
Coding change: c.2686C>T on transcript NM_005633.4 (MANE Select); coding-DNA position 2686, C replaced by T.
Protein change: p.Arg896Cys; replaces arginine 896 with cysteine.
Molecular consequence: missense variant.
Genome position (GRCh38, 1-based): chr2:39,006,517, G>A on the plus strand (C>T on the coding strand, the complement: SOS1 is on the minus strand). VCF-style: chr2-39006517-G-A. GRCh37 (hg19) VCF-style: chr2-39233658-G-A.
Other names: c.2665C>T, p.Arg889Cys (NM_001382394.1); c.2686C>T, p.Arg896Cys (NM_001382395.1); short protein forms R896C, R889C.
Identifiers: ClinVar variation 1411288 (VCV001411288.6), dbSNP rs2124501933, ClinGen allele CA346363264.
Genomic context (GRCh38, chr2:39,006,517, plus strand): 5'-AATATTTCTTATAGTGATCTTCACTCAATTCATGAGCTTCTTCTAAAATTTTCTTCTGGC[G>A]ACTTGGTATTTGCTATAAGGAAAAAAAATAGGCGTAAGTTTACAAAAGGAATCAAAGGTC-3'
Protein context (NP_005624.2, residues 886-906): LDHTFEQIPS[Arg896Cys]QKKILEEAHE